The following is an entry in ClinVar:

ClinVar aggregate classification (germline): Uncertain significance. Review status: criteria provided, single submitter (1 of 4 stars). 2 submissions from 2 submitters: Uncertain significance (1). 1 of the submissions does not count toward it. Last evaluated 2023-02-13.

Conditions:
Alstrom syndrome (ALMS). Identifiers: Orphanet 64, MedGen C0268425, MONDO:0008763, OMIM 203800.
Cardiovascular phenotype. Identifiers: MedGen CN230736.

Allele frequency attached by ClinVar (database versions not stated): gnomAD exomes below 0.00001; ExAC 0.00001.
gnomAD v4.1: 2 of 1,614,092 alleles (0.00012%); highest among the groups gnomAD compares: African/African-American, 0.0027%; no homozygotes.

Submissions (2):

Ambry Genetics
Classification: Uncertain significance for Cardiovascular phenotype. Last evaluated: 2023-02-13. Review status: criteria provided, single submitter. Criteria: Ambry Variant Classification Scheme 2023. Collection method: clinical testing. Allele origin: germline.
Comment: The p.K3711Q variant (also known as c.11131A>C), located in coding exon 16 of the ALMS1 gene, results from an A to C substitution at nucleotide position 11131. The lysine at codon 3711 is replaced by glutamine, an amino acid with similar properties. This amino acid position is well conserved in available vertebrate species. In addition, this alteration is predicted to be tolerated by in silico analysis. Since supporting evidence is limited at this time, the clinical significance of this alteration remains unclear.

Natera, Inc.
Classification: Uncertain significance for Alstrom syndrome. Last evaluated: 2025-01-20. Review status: no assertion criteria provided. Collection method: clinical testing. Allele origin: germline. Not counted in ClinVar's aggregate classification.

NM_001378454.1(ALMS1):c.11128A>C (p.Lys3710Gln)

Gene: ALMS1 (ALMS1 centrosome and basal body associated protein; plus strand). Cytogenetic location: 2p13.1.
Variant type: single nucleotide variant.
Coding change: c.11128A>C on transcript NM_001378454.1 (MANE Select); coding-DNA position 11128, A replaced by C.
Protein change: p.Lys3710Gln; replaces lysine 3710 with glutamine.
Molecular consequence: missense variant.
Genome position (GRCh38, 1-based): chr2:73,573,005, A>C. VCF-style: chr2-73573005-A-C. GRCh37 (hg19) VCF-style: chr2-73800132-A-C.
Other names: c.11131A>C, p.Lys3711Gln (NM_015120.4); short protein forms K3711Q, K3710Q.
Identifiers: ClinVar variation 2449600 (VCV002449600.3), dbSNP rs776862200, ClinGen allele CA1715126.